The following is an entry in ClinVar:

NM_170606.3(KMT2C):c.7718C>T (p.Pro2573Leu)

Gene: KMT2C (lysine methyltransferase 2C; minus strand). Cytogenetic location: 7q36.1.
Variant type: single nucleotide variant.
Coding change: c.7718C>T on transcript NM_170606.3 (MANE Select); coding-DNA position 7718, C replaced by T.
Protein change: p.Pro2573Leu; replaces proline 2573 with leucine.
Molecular consequence: missense variant.
Genome position (GRCh38, 1-based): chr7:152,177,735, G>A on the plus strand (C>T on the coding strand, the complement: KMT2C is on the minus strand). VCF-style: chr7-152177735-G-A. GRCh37 (hg19) VCF-style: chr7-151874820-G-A.
Other names: short protein forms P2573L.
Identifiers: ClinVar variation 1203342 (VCV001203342.3), dbSNP rs2129115309, ClinGen allele CA370085467.

ClinVar aggregate classification (germline): Likely pathogenic (1 of 4 stars; one submission).

Submission:

GeneDx
Classification: Likely pathogenic. Last evaluated: 2019-04-24. Review status: criteria provided, single submitter. Criteria: GeneDx Variant Classification Process June 2021. Collection method: clinical testing. Allele origin: germline. Affected: yes.
Comment: Not observed in large population cohorts (Lek et al., 2016); In silico analysis, which includes protein predictors and evolutionary conservation, supports a deleterious effect; Has not been previously published as pathogenic or benign to our knowledge